The following is an entry in ClinVar:

ClinVar aggregate classification (germline): Uncertain significance. Review status: criteria provided, multiple submitters, no conflicts (2 of 4 stars). 2 submissions from 2 submitters: Uncertain significance (2). Last evaluated 2024-12-24.

Conditions:
Giant axonal neuropathy 1 (GAN1). Also called: GAN-Related Neurodegeneration; GIANT AXONAL NEUROPATHY 1, AUTOSOMAL RECESSIVE. Identifiers: Orphanet 643, MedGen C1850386, MONDO:0009749, OMIM 256850.

Allele frequency attached by ClinVar (database versions not stated): gnomAD exomes below 0.00001; TOPMed below 0.00001; ExAC 0.00001; gnomAD 0.00001.
gnomAD v4.1: 1 of 1,613,690 alleles (0.000062%); highest among the groups gnomAD compares: African/African-American, 0.0013%; no homozygotes.

Submissions (2):

Labcorp Genetics (formerly Invitae), Labcorp
Classification: Uncertain significance for Giant axonal neuropathy 1. Last evaluated: 2024-12-24. Review status: criteria provided, single submitter. Criteria: Invitae Variant Classification Sherloc (09022015). Collection method: clinical testing. Allele origin: germline.
Comment: This sequence change replaces histidine, which is basic and polar, with asparagine, which is neutral and polar, at codon 319 of the GAN protein (p.His319Asn). This variant is present in population databases (rs779893652, gnomAD 0.007%). This missense change has been observed in individual(s) with GAN-related conditions (internal data). In at least one individual the data is consistent with being in trans (on the opposite chromosome) from a pathogenic variant. ClinVar contains an entry for this variant (Variation ID: 860580). Invitae Evidence Modeling of protein sequence and biophysical properties (such as structural, functional, and spatial information, amino acid conservation, physicochemical variation, residue mobility, and thermodynamic stability) indicates that this missense variant is expected to disrupt GAN protein function with a positive predictive value of 80%. In summary, the available evidence is currently insufficient to determine the role of this variant in disease. Therefore, it has been classified as a Variant of Uncertain Significance.

GeneDx
Classification: Uncertain significance. Last evaluated: 2024-02-26. Review status: criteria provided, single submitter. Criteria: GeneDx Variant Classification Process June 2021. Collection method: clinical testing. Allele origin: germline. Affected: yes.
Comment: Not observed at significant frequency in large population cohorts (gnomAD); In silico analysis supports that this missense variant has a deleterious effect on protein structure/function; Missense variants in this gene are a common cause of disease and they are underrepresented in the general population; Has not been previously published as pathogenic or benign to our knowledge; This variant is associated with the following publications: (PMID: 27023907)

NM_022041.4(GAN):c.955C>A (p.His319Asn)

Gene: GAN (gigaxonin; plus strand). Cytogenetic location: 16q23.2.
Variant type: single nucleotide variant.
Coding change: c.955C>A on transcript NM_022041.4 (MANE Select); coding-DNA position 955, C replaced by A.
Protein change: p.His319Asn; replaces histidine 319 with asparagine.
Molecular consequence: missense variant.
Genome position (GRCh38, 1-based): chr16:81,357,913, C>A. VCF-style: chr16-81357913-C-A. GRCh37 (hg19) VCF-style: chr16-81391518-C-A.
Other names: c.316C>A, p.His106Asn (NM_001377486.1); short protein forms H106N, H319N.
Identifiers: ClinVar variation 860580 (VCV000860580.10), dbSNP rs779893652, ClinGen allele CA8191543.